The following is an entry in ClinVar:

NM_033482.4(POM121L2):c.1644C>T (p.Ser548=)

Gene: POM121L2 (POM121 transmembrane nucleoporin like 2; minus strand). Cytogenetic location: 6p22.1.
Variant type: single nucleotide variant.
Coding change: c.1644C>T on transcript NM_033482.4 (MANE Select); coding-DNA position 1644, C replaced by T.
Protein change: p.Ser548=; no amino-acid change (serine 548 retained).
Molecular consequence: synonymous variant.
Genome position (GRCh38, 1-based): chr6:27,310,527, G>A on the plus strand (C>T on the coding strand, the complement: POM121L2 is on the minus strand). VCF-style: chr6-27310527-G-A. GRCh37 (hg19) VCF-style: chr6-27278306-G-A.
Identifiers: ClinVar variation 2656314 (VCV002656314.24), dbSNP rs768775547, ClinGen allele CA3677318.

ClinVar aggregate classification (germline): Likely benign (1 of 4 stars; one submission).

Allele frequency attached by ClinVar (database versions not stated): gnomAD 0.00003; ExAC 0.00004; gnomAD exomes 0.00004; TOPMed 0.00009.
gnomAD v4.1: 55 of 1,552,092 alleles (0.0035%); highest among the groups gnomAD compares: Middle Eastern, 0.05%; no homozygotes.

Submission:

CeGaT Center for Human Genetics Tuebingen
Classification: Likely benign. Last evaluated: 2022-10-01. Review status: criteria provided, single submitter. Criteria: CeGaT Center For Human Genetics Tuebingen Variant Classification Criteria Version 2. Collection method: clinical testing. Allele origin: germline. Affected: yes. Observed: 2 variant alleles.
Comment: POM121L2: BP4, BP7